The following is an entry in ClinVar:

ClinVar aggregate classification (germline): Uncertain significance (0 of 4 stars; one submission).

Conditions:
HNRNPH1-related disorder. Also called: HNRNPH1-related condition.

Submission:

PreventionGenetics, part of Exact Sciences
Classification: Uncertain significance for HNRNPH1-related condition. Last evaluated: 2024-07-25. Review status: no assertion criteria provided. Collection method: clinical testing. Allele origin: germline.
Comment: The HNRNPH1 c.226_227delGA variant is predicted to result in a frameshift and premature protein termination (p.Glu76Asnfs*8). To our knowledge, this variant has not been reported in the literature or in a large population database, indicating this variant is rare. Although we suspect that this variant may be pathogenic, at this time, the clinical significance of this variant is uncertain due to the absence of conclusive functional and genetic evidence.

NM_001257293.2(HNRNPH1):c.226_227del (p.Glu76fs)

Genes: HNRNPH1 (heterogeneous nuclear ribonucleoprotein H1; minus strand), LOC128966623 (uncharacterized LOC128966623; plus strand). Cytogenetic location: 5q35.3.
Variant type: Microsatellite.
Coding change: c.226_227del on transcript NM_001257293.2 (MANE Select); coding-DNA positions 226 to 227, 2 bases deleted (GA; older notation c.226_227delGA).
Protein change: p.Glu76fs; shifts the reading frame from glutamic acid 76.
Molecular consequence: frameshift variant. On other transcripts: 5 prime UTR variant (8), intron variant (1).
Genome position (GRCh38, 1-based): chr5:179,621,268-179,621,269, TC deleted on the plus strand (GA on the coding strand, the reverse complement: HNRNPH1 is on the minus strand); deleting any 2 consecutive bases within chr5:179,621,268-179,621,272 gives the same sequence; the c. name uses the placement nearest the transcript's 3' end. VCF-style (leftmost placement, unchanged base first): chr5-179621267-TTC-T. GRCh37 (hg19) VCF-style: chr5-179048268-TTC-T.
Other names: c.226_227del, p.Glu76fs (NM_001363572.2, NM_001364225.2, NM_001364226.2 and 39 more transcripts); c.-241GA[1] (NM_001364251.2, NM_001364252.2, NM_001364253.2 and 4 more transcripts); c.-8GA[1] (NM_001395190.1); c.98-234_98-233del (NM_001364250.2); short protein forms E76fs.
Identifiers: ClinVar variation 3346614 (VCV003346614.1).